The following is an entry in ClinVar:

NM_001385875.1(ZFYVE27):c.1019A>G (p.Lys340Arg)

Gene: ZFYVE27 (zinc finger FYVE-type containing 27; plus strand). Cytogenetic location: 10q24.2.
Variant type: single nucleotide variant.
Coding change: c.1019A>G on transcript NM_001385875.1 (MANE Select); coding-DNA position 1019, A replaced by G.
Protein change: p.Lys340Arg; replaces lysine 340 with arginine.
Molecular consequence: missense variant. On other transcripts: non-coding transcript variant (17).
Genome position (GRCh38, 1-based): chr10:97,753,159, A>G. VCF-style: chr10-97753159-A-G. GRCh37 (hg19) VCF-style: chr10-99512916-A-G.
Other names: c.1034A>G, p.Lys345Arg (NM_001002261.4, NM_001385871.1); c.998A>G, p.Lys333Arg (NM_001002262.4, NM_001385880.1, NM_001385881.1 and 2 more transcripts); c.902A>G, p.Lys301Arg (NM_001174119.2, NM_001385889.1); c.740A>G, p.Lys247Arg (NM_001174120.2); c.719A>G, p.Lys240Arg (NM_001174121.2, NM_001385915.1); c.644A>G, p.Lys215Arg (NM_001174122.2); c.1052A>G, p.Lys351Arg (NM_001385876.1); c.1016A>G, p.Lys339Arg (NM_001385877.1); and 14 more; short protein forms K122R, K247R, K252R, K277R, K333R, K222R, K254R, K259R.
Identifiers: ClinVar variation 2717267 (VCV002717267.3), dbSNP rs1270629030, ClinGen allele CA377998191.
Genomic context (GRCh38, chr10:97,753,159, plus strand): 5'-TCCTGAGCAAGAATGAGGTGCTGCGCAGCAAGGTGTCTCGGCTCACGGAGCGGCTCCGCA[A>G]GCGCTACCCCACCAACAACTTCGGTGCGGCCAGGGGACAGGGCTGGGCTGGTGGGGGAGT-3'
Protein context (NP_001372804.1, residues 330-350): KVSRLTERLR[Lys340Arg]RYPTNNFGNC

ClinVar aggregate classification (germline): Uncertain significance (1 of 4 stars; one submission).

Conditions:
Spastic paraplegia. Identifiers: MedGen C0037772, HP:0001258.

Allele frequency attached by ClinVar (database versions not stated): gnomAD exomes below 0.00001.

Submission:

Labcorp Genetics (formerly Invitae), Labcorp
Classification: Uncertain significance for Spastic paraplegia. Last evaluated: 2023-10-13. Review status: criteria provided, single submitter. Criteria: Invitae Variant Classification Sherloc (09022015). Collection method: clinical testing. Allele origin: germline.
Comment: This sequence change replaces lysine, which is basic and polar, with arginine, which is basic and polar, at codon 345 of the ZFYVE27 protein (p.Lys345Arg). This variant is present in population databases (no rsID available, gnomAD 0.005%). This variant has not been reported in the literature in individuals affected with ZFYVE27-related conditions. An algorithm developed to predict the effect of missense changes on protein structure and function (PolyPhen-2) suggests that this variant is likely to be disruptive. In summary, the available evidence is currently insufficient to determine the role of this variant in disease. Therefore, it has been classified as a Variant of Uncertain Significance.